The following is an entry in ClinVar:

ClinVar aggregate classification (germline): Pathogenic (1 of 4 stars; one submission).

Submission:

GeneDx
Classification: Pathogenic. Last evaluated: 2025-06-23. Review status: criteria provided, single submitter. Criteria: GeneDx Variant Classification Process June 2021. Collection method: clinical testing. Allele origin: germline. Affected: yes.
Comment: In-frame deletion of 1 amino acid in a non-repeat region; Not observed at significant frequency in large population cohorts (gnomAD); In silico analysis supports a deleterious effect on protein structure/function; Has not been previously published as pathogenic or benign to our knowledge

NM_018489.3(ASH1L):c.3881TAA[1] (p.Ile1295del)

Gene: ASH1L (ASH1 like histone lysine methyltransferase; minus strand). Cytogenetic location: 1q22.
Variant type: Microsatellite.
Coding change: c.3881TAA[1] on transcript NM_018489.3 (MANE Select); one copy of the 3-base unit TAA starting at c.3881; the reference has two copies in a row; one copy, 3 bases deleted.
Protein change: p.Ile1295del; deletes isoleucine 1295.
Genome position (GRCh38, 1-based): chr1:155,478,984-155,478,986, TTA deleted on the plus strand (TAA on the coding strand, the reverse complement: ASH1L is on the minus strand); deleting any 3 consecutive bases within chr1:155,478,984-155,478,989 gives the same sequence; the position shown is the placement nearest the transcript's 3' end. VCF-style (leftmost placement, unchanged base first): chr1-155478983-CTTA-C. GRCh37 (hg19) VCF-style: chr1-155448774-CTTA-C.
Other names: c.3881TAA[1], p.Ile1295del (NM_001366177.2); short protein forms I1295del.
Identifiers: ClinVar variation 4539969 (VCV004539969.1).